The following is an entry in ClinVar:

ClinVar aggregate classification (germline): Uncertain significance (1 of 4 stars; one submission).

Conditions:
Dilated cardiomyopathy 1DD (CMD1DD). Identifiers: Orphanet 154, MedGen C2750995, MONDO:0013168, OMIM 613172.

Submission:

Labcorp Genetics (formerly Invitae), Labcorp
Classification: Uncertain significance for Dilated cardiomyopathy 1DD. Last evaluated: 2023-05-02. Review status: criteria provided, single submitter. Criteria: Invitae Variant Classification Sherloc (09022015). Collection method: clinical testing. Allele origin: germline.
Comment: This sequence change replaces glutamine, which is neutral and polar, with glutamic acid, which is acidic and polar, at codon 386 of the RBM20 protein (p.Gln386Glu). This variant is not present in population databases (gnomAD no frequency). This variant has not been reported in the literature in individuals affected with RBM20-related conditions. Advanced modeling of protein sequence and biophysical properties (such as structural, functional, and spatial information, amino acid conservation, physicochemical variation, residue mobility, and thermodynamic stability) performed at Invitae indicates that this missense variant is not expected to disrupt RBM20 protein function. In summary, the available evidence is currently insufficient to determine the role of this variant in disease. Therefore, it has been classified as a Variant of Uncertain Significance.

NM_001134363.3(RBM20):c.1156C>G (p.Gln386Glu)

Gene: RBM20 (RNA binding motif protein 20; plus strand). Cytogenetic location: 10q25.2.
Variant type: single nucleotide variant.
Coding change: c.1156C>G on transcript NM_001134363.3 (MANE Select); coding-DNA position 1156, C replaced by G.
Protein change: p.Gln386Glu; replaces glutamine 386 with glutamic acid.
Molecular consequence: missense variant.
Genome position (GRCh38, 1-based): chr10:110,781,765, C>G. VCF-style: chr10-110781765-C-G. GRCh37 (hg19) VCF-style: chr10-112541523-C-G.
Other names: short protein forms Q386E.
Identifiers: ClinVar variation 2861689 (VCV002861689.3), dbSNP rs794729143, ClinGen allele CA378385811.